The following is an entry in ClinVar:

NM_001015877.2(PHF6):c.673C>T (p.Arg225Ter)

Gene: PHF6 (PHD finger protein 6; plus strand). Cytogenetic location: Xq26.2.
Variant type: single nucleotide variant.
Coding change: c.673C>T on transcript NM_001015877.2 (MANE Select); coding-DNA position 673, C replaced by T.
Protein change: p.Arg225Ter; replaces arginine 225 with a stop codon.
Molecular consequence: nonsense.
Genome position (GRCh38, 1-based): chrX:134,413,910, C>T. VCF-style: chrX-134413910-C-T. GRCh37 (hg19) VCF-style: chrX-133547940-C-T.
Other names: c.673C>T (NM_032458.2, LRG_629t1); c.676C>T, p.Arg226Ter (LRG_629t2, NM_032335.3); c.673C>T, p.Arg225Ter (NM_032458.3); short protein forms R225*, R226*.
Identifiers: ClinVar variation 488410 (VCV000488410.8), dbSNP rs1556018932, ClinGen allele CA414712967.

ClinVar aggregate classification (germline): Pathogenic. Review status: criteria provided, multiple submitters, no conflicts (2 of 4 stars). 3 submissions from 3 submitters: Pathogenic (3). Last evaluated 2026-06-12.

Conditions:
Inborn genetic diseases. Identifiers: MedGen C0950123, MeSH D030342.
Borjeson-Forssman-Lehmann syndrome (BFLS). Also called: MENTAL RETARDATION, X-LINKED, SYNDROMIC, BORJESON-FORSSMAN-LEHMANN TYPE; MENTAL RETARDATION, EPILEPSY, AND ENDOCRINE DISORDERS; BORJESON SYNDROME. Identifiers: Orphanet 127, MedGen C0265339, MONDO:0010537, OMIM 301900.

Submissions (3):

GeneDx
Classification: Pathogenic. Last evaluated: 2026-06-12. Review status: criteria provided, single submitter. Criteria: GeneDx Variant Classification Process June 2021. Collection method: clinical testing. Allele origin: germline.
Comment: Nonsense variant predicted to result in protein truncation or nonsense mediated decay in a gene for which loss of function is a known mechanism of disease; Not observed at significant frequency in large population cohorts (gnomAD); This variant is associated with the following publications: (PMID: 20228800, 26103525, 27602765, 30280491, 31475166, 36008597, 21736506, 12415272, 30630810)

Ambry Genetics
Classification: Pathogenic for Inborn genetic diseases. Last evaluated: 2021-10-08. Review status: criteria provided, single submitter. Criteria: Ambry Variant Classification Scheme 2023. Collection method: clinical testing. Allele origin: germline.
Comment: The c.673C>T (p.R225*) alteration, located in exon 7 (coding exon 6) of the PHF6 gene, consists of a C to T substitution at nucleotide position 673. This changes the amino acid from a arginine (R) to a stop codon at amino acid position 225. This alteration is expected to result in loss of function by premature protein truncation or nonsense-mediated mRNA decay. This variant was not reported in population-based cohorts in the Genome Aggregation Database (gnomAD). Based on the available evidence, this alteration is classified as pathogenic.

Institute of Pediatric Research, Xinhua Hospital affiliated to Shanghai Jiao Tong University School of Medicine
Classification: Pathogenic for Borjeson-Forssman-Lehmann syndrome. Last evaluated: 2017-10-11. Review status: criteria provided, single submitter. Criteria: ACMG Guidelines, 2015. Collection method: research. Allele origin: germline. Inheritance: X-linked dominant inheritance. Affected: yes. Observed: 1 variant allele, 1 heterozygote.
Comment: Intellectual disability

Literature cited by the submitters: PubMed 30630810 (cited by Ambry Genetics).